The following is an entry in ClinVar:

ClinVar aggregate classification (germline): Uncertain significance (1 of 4 stars; one submission).

Conditions:
Inborn genetic diseases. Identifiers: MedGen C0950123, MeSH D030342.

Allele frequency attached by ClinVar (database versions not stated): TOPMed below 0.00001; gnomAD 0.00001; gnomAD exomes 0.00001.
gnomAD v4.1: 12 of 1,613,322 alleles (0.00074%); highest among the groups gnomAD compares: Non-Finnish European, 0.001%; no homozygotes.

Submission:

Ambry Genetics
Classification: Uncertain significance for Inborn genetic diseases. Last evaluated: 2023-01-04. Review status: criteria provided, single submitter. Criteria: Ambry Variant Classification Scheme 2023. Collection method: clinical testing. Allele origin: germline.
Comment: The c.2214G>C (p.K738N) alteration is located in exon 14 (coding exon 13) of the GRIA4 gene. This alteration results from a G to C substitution at nucleotide position 2214, causing the lysine (K) at amino acid position 738 to be replaced by an asparagine (N). Based on data from gnomAD, the C allele has an overall frequency of <0.001% (1/250746) total alleles studied. This amino acid position is highly conserved in available vertebrate species. This alteration is predicted to be tolerated by in silico analysis. Based on insufficient or conflicting evidence, the clinical significance of this alteration remains unclear.

NM_000829.4(GRIA4):c.2214G>C (p.Lys738Asn)

Gene: GRIA4 (glutamate ionotropic receptor AMPA type subunit 4; plus strand). Cytogenetic location: 11q22.3.
Variant type: single nucleotide variant.
Coding change: c.2214G>C on transcript NM_000829.4 (MANE Select); coding-DNA position 2214, G replaced by C.
Protein change: p.Lys738Asn; replaces lysine 738 with asparagine.
Molecular consequence: missense variant. On other transcripts: non-coding transcript variant (1).
Genome position (GRCh38, 1-based): chr11:105,933,889, G>C. VCF-style: chr11-105933889-G-C. GRCh37 (hg19) VCF-style: chr11-105804615-G-C.
Other names: c.2214G>C, p.Lys738Asn (NM_001077243.3); short protein forms K738N.
Identifiers: ClinVar variation 2332305 (VCV002332305.3), dbSNP rs1418231290, ClinGen allele CA382302465.
Genomic context (GRCh38, chr11:105,933,889, plus strand): 5'-CAAGGGCAAATTTGCCTTTCTCCTGGAGTCCACTATGAATGAATACATTGAGCAGCGAAA[G>C]CCATGTGACACGATGAAAGTGGGAGGAAATCTGGATTCCAAAGGCTATGGAGTAGCAACG-3'
Protein context (NP_000820.4, residues 728-748): STMNEYIEQR[Lys738Asn]PCDTMKVGGN